The following is an entry in ClinVar:

NM_002637.4(PHKA1):c.742C>T (p.Arg248Cys)

Gene: PHKA1 (phosphorylase kinase regulatory subunit alpha 1; minus strand). Cytogenetic location: Xq13.1.
Variant type: single nucleotide variant.
Coding change: c.742C>T on transcript NM_002637.4 (MANE Select); coding-DNA position 742, C replaced by T.
Protein change: p.Arg248Cys; replaces arginine 248 with cysteine.
Molecular consequence: missense variant.
Genome position (GRCh38, 1-based): chrX:72,666,273, G>A on the plus strand (C>T on the coding strand, the complement: PHKA1 is on the minus strand). VCF-style: chrX-72666273-G-A. GRCh37 (hg19) VCF-style: chrX-71886123-G-A.
Other names: c.742C>T, p.Arg248Cys (NM_001122670.2, NM_001172436.2); short protein forms R248C.
Identifiers: ClinVar variation 934940 (VCV000934940.8), dbSNP rs1382212255, ClinGen allele CA413594342.
Genomic context (GRCh38, chrX:72,666,273, plus strand): 5'-AGGCAGGGAAGGAAACCACTGAGAGTAGACTAGCATCAACCTCTTTTGATGTTGAAGCAC[G>A]GGGCAGTAGTGAATTTAGGATAGACTAAGAGAAAAGAAGTTAAGTTTATATAAAAGGATG-3'
Protein context (NP_002628.2, residues 238-258): CQSILNSLLP[Arg248Cys]ASTSKEVDAS

ClinVar aggregate classification (germline): Uncertain significance (1 of 4 stars; one submission).

Conditions:
Glycogen storage disease IXd (GSD9D). Also called: Muscle Phosphorylase Kinase Deficiency; GSD IXd. Identifiers: Orphanet 715, MedGen C1845151, MONDO:0010362, OMIM 300559.

Allele frequency attached by ClinVar (database versions not stated): gnomAD exomes 0.00001; gnomAD 0.00007 and 0.00008; TOPMed 0.00012.
gnomAD v4.1: 17 of 1,207,795 alleles (0.0014%); highest among the groups gnomAD compares: Admixed American, 0.02%; no homozygotes.

Submission:

Labcorp Genetics (formerly Invitae), Labcorp
Classification: Uncertain significance for Glycogen storage disease IXd. Last evaluated: 2025-10-23. Review status: criteria provided, single submitter. Criteria: Invitae Variant Classification Sherloc (09022015). Collection method: clinical testing. Allele origin: germline.
Comment: This sequence change replaces arginine, which is basic and polar, with cysteine, which is neutral and slightly polar, at codon 248 of the PHKA1 protein (p.Arg248Cys). This variant is present in population databases (no rsID available, gnomAD 0.004%). This variant has not been reported in the literature in individuals affected with PHKA1-related conditions. ClinVar contains an entry for this variant (Variation ID: 934940). Invitae Evidence Modeling of protein sequence and biophysical properties (such as structural, functional, and spatial information, amino acid conservation, physicochemical variation, residue mobility, and thermodynamic stability) indicates that this missense variant is expected to disrupt PHKA1 protein function with a positive predictive value of 80%. In summary, the available evidence is currently insufficient to determine the role of this variant in disease. Therefore, it has been classified as a Variant of Uncertain Significance.